The following is an entry in ClinVar:

ClinVar aggregate classification (germline): Pathogenic (1 of 4 stars; one submission).

Submission:

Ambry Genetics
Classification: Pathogenic. Last evaluated: 2022-07-20. Review status: criteria provided, single submitter. Criteria: Ambry Variant Classification Scheme 2023. Collection method: clinical testing. Allele origin: germline.
Comment: The p.E488* pathogenic mutation (also known as c.1462G>T), located in coding exon 11 of the GARS gene, results from a G to T substitution at nucleotide position 1462. This changes the amino acid from a glutamic acid to a stop codon within coding exon 11. This variant is considered to be rare based on population cohorts in the Genome Aggregation Database (gnomAD).This alteration is expected to result in loss of function by premature protein truncation or nonsense-mediated mRNA decay. Although biallelic loss of function alterations in GARS have been associated with cytoplasmic and mitochondrial glycine-tRNA ligase deficiency (AR), haploinsufficiency for GARS has not been clearly established as a mechanism of disease for GARS-associated axonal neuropathy. Based on the supporting evidence, this variant is expected to be causative of autosomal recessive cytoplasmic and mitochondrial glycine-tRNA ligase deficiency when present along with a second pathogenic variant on the other allele; however, its clinical significance for autosomal dominant GARS-associated axonal neuropathy is unclear.

NM_002047.4(GARS1):c.1462G>T (p.Glu488Ter)

Gene: GARS1 (glycyl-tRNA synthetase 1; plus strand). Cytogenetic location: 7p14.3.
Variant type: single nucleotide variant.
Coding change: c.1462G>T on transcript NM_002047.4 (MANE Select); coding-DNA position 1462, G replaced by T.
Protein change: p.Glu488Ter; replaces glutamic acid 488 with a stop codon.
Molecular consequence: nonsense.
Genome position (GRCh38, 1-based): chr7:30,621,495, G>T. VCF-style: chr7-30621495-G-T. GRCh37 (hg19) VCF-style: chr7-30661111-G-T.
Other names: c.1300G>T, p.Glu434Ter (NM_001316772.1); short protein forms E434*, E488*.
Identifiers: ClinVar variation 1800098 (VCV001800098.2), dbSNP rs1168737278, ClinGen allele CA367128396.